The following is an entry in ClinVar:

ClinVar aggregate classification (germline): Uncertain significance. Review status: criteria provided, multiple submitters, no conflicts (2 of 4 stars). 2 submissions from 2 submitters: Uncertain significance (2). Last evaluated 2021-08-05.

Conditions:
Primary ciliary dyskinesia. Also called: Ciliary dyskinesia. Identifiers: Orphanet 244, MedGen C0008780, MONDO:0016575, HP:0012265.

Allele frequency attached by ClinVar (database versions not stated): gnomAD exomes 0.00001; gnomAD 0.00003; TOPMed 0.00004.

Submissions (2):

Labcorp Genetics (formerly Invitae), Labcorp
Classification: Uncertain significance for Primary ciliary dyskinesia. Last evaluated: 2021-08-05. Review status: criteria provided, single submitter. Criteria: Invitae Variant Classification Sherloc (09022015). Collection method: clinical testing. Allele origin: germline.
Comment: In summary, the available evidence is currently insufficient to determine the role of this variant in disease. Therefore, it has been classified as a Variant of Uncertain Significance. Algorithms developed to predict the effect of missense changes on protein structure and function output the following: SIFT: "Tolerated"; PolyPhen-2: "Benign"; Align-GVGD: "Class C0". The histidine amino acid residue is found in multiple mammalian species, which suggests that this missense change does not adversely affect protein function. This variant has not been reported in the literature in individuals affected with RSPH1-related conditions. This variant is not present in population databases (ExAC no frequency). This sequence change replaces arginine with histidine at codon 287 of the RSPH1 protein (p.Arg287His). The arginine residue is weakly conserved and there is a small physicochemical difference between arginine and histidine.

Breakthrough Genomics
Classification: Uncertain significance. Review status: criteria provided, single submitter. Criteria: ACMG Guidelines, 2015. Collection method: not provided. Allele origin: germline. Inheritance: Autosomal dominant inheritance. Affected: yes.

NM_080860.4(RSPH1):c.860G>A (p.Arg287His)

Gene: RSPH1 (radial spoke head component 1; minus strand). Cytogenetic location: 21q22.3.
Variant type: single nucleotide variant.
Coding change: c.860G>A on transcript NM_080860.4 (MANE Select); coding-DNA position 860, G replaced by A.
Protein change: p.Arg287His; replaces arginine 287 with histidine.
Molecular consequence: missense variant.
Genome position (GRCh38, 1-based): chr21:42,475,915, C>T on the plus strand (G>A on the coding strand, the complement: RSPH1 is on the minus strand). VCF-style: chr21-42475915-C-T. GRCh37 (hg19) VCF-style: chr21-43896025-C-T.
Other names: c.746G>A, p.Arg249His (NM_001286506.2); short protein forms R287H, R249H.
Identifiers: ClinVar variation 1384855 (VCV001384855.5), dbSNP rs868793685, ClinGen allele CA321548230.